The following is an entry in ClinVar:

ClinVar aggregate classification (germline): Benign. Review status: criteria provided, multiple submitters, no conflicts (2 of 4 stars). 2 submissions from 2 submitters: Benign (2). Last evaluated 2018-01-13.

Conditions:
Growth delay due to insulin-like growth factor I resistance. Also called: Somatomedin end-organ insensitivity to; Somatomedin-c resistance to; IGF-1 resistance; IGF-I RESISTANCE; Insulin-Like Growth Factor I Resistance. Identifiers: Orphanet 73273, MedGen C1849157, MONDO:0010038, OMIM 270450.

Allele frequency attached by ClinVar (database versions not stated): gnomAD 0.14471 and 0.14982; TOPMed 0.15134; gnomAD exomes 0.17759; 1000 Genomes Project 30x 0.19285; 1000 Genomes Project 0.19708.
gnomAD v4.1: 37,128 of 233,166 alleles (16%); highest among the groups gnomAD compares: East Asian, 35%; 3,353 homozygotes.

Submissions (2):

Illumina Laboratory Services, Illumina
Classification: Benign for Growth delay due to insulin-like growth factor I resistance. Last evaluated: 2018-01-13. Review status: criteria provided, single submitter. Criteria: ICSL Variant Classification Criteria 13 December 2019. Collection method: clinical testing. Allele origin: germline.
Comment: This variant was observed in the ICSL laboratory as part of a predisposition screen in an ostensibly healthy population. It had not been previously curated by ICSL or reported in the Human Gene Mutation Database (HGMD: prior to June 1st, 2018), and was therefore a candidate for classification through an automated scoring system. Utilizing variant allele frequency, disease prevalence and penetrance estimates, and inheritance mode, an automated score was calculated to assess if this variant is too frequent to cause the disease. Based on the score and internal cut-off values, a variant classified as benign is not then subjected to further curation. The score for this variant resulted in a classification of benign for this disease.

Breakthrough Genomics
Classification: Benign. Review status: criteria provided, single submitter. Criteria: ACMG Guidelines, 2015. Collection method: not provided. Allele origin: germline. Inheritance: Autosomal dominant inheritance. Affected: yes.

NM_000875.5(IGF1R):c.*3458G>A

Gene: IGF1R (insulin like growth factor 1 receptor; plus strand). Cytogenetic location: 15q26.3.
Variant type: single nucleotide variant.
Coding change: c.*3458G>A on transcript NM_000875.5 (MANE Select); 3458 bases downstream of the stop codon, G replaced by A.
Molecular consequence: 3 prime UTR variant.
Genome position (GRCh38, 1-based): chr15:98,960,900, G>A. VCF-style: chr15-98960900-G-A. GRCh37 (hg19) VCF-style: chr15-99504129-G-A.
Other names: c.*3458G>A (NM_001291858.2).
Identifiers: ClinVar variation 317557 (VCV000317557.6), dbSNP rs3743251, ClinGen allele CA10647586.